The following is an entry in ClinVar:

NM_001332.4(CTNND2):c.2150G>A (p.Gly717Glu)

Gene: CTNND2 (catenin delta 2; minus strand). Cytogenetic location: 5p15.2.
Variant type: single nucleotide variant.
Coding change: c.2150G>A on transcript NM_001332.4 (MANE Select); coding-DNA position 2150, G replaced by A.
Protein change: p.Gly717Glu; replaces glycine 717 with glutamic acid.
Molecular consequence: missense variant. On other transcripts: non-coding transcript variant (1).
Genome position (GRCh38, 1-based): chr5:11,159,585, C>T on the plus strand (G>A on the coding strand, the complement: CTNND2 is on the minus strand). VCF-style: chr5-11159585-C-T. GRCh37 (hg19) VCF-style: chr5-11159697-C-T.
Other names: c.1877G>A, p.Gly626Glu (NM_001288715.1); c.1139G>A, p.Gly380Glu (NM_001288716.1, NM_001364128.2); c.851G>A, p.Gly284Glu (NM_001288717.2); short protein forms G284E, G380E, G626E, G717E.
Identifiers: ClinVar variation 4890716 (VCV004890716.1).

ClinVar aggregate classification (germline): Uncertain significance (1 of 4 stars; one submission).

Conditions:
CTNND2-associated neurodevelopmental disorder.

Submission:

Institute of Human Genetics, University of Leipzig Medical Center
Classification: Uncertain significance for CTNND2-associated neurodevelopmental disorder. Last evaluated: 2026-07-14. Review status: criteria provided, single submitter. Criteria: ACMG Guidelines, 2015. Collection method: clinical testing. Allele origin: unknown. Inheritance: Autosomal dominant inheritance. Affected: yes.
Comment: Criteria applied: PM2,PP2,PP3

Literature cited by the submitters: PubMed 41502569.